The following is an entry in ClinVar:

NM_020937.4(FANCM):c.3760A>G (p.Arg1254Gly)

Gene: FANCM (FA complementation group M; plus strand). Cytogenetic location: 14q21.2.
Variant type: single nucleotide variant.
Coding change: c.3760A>G on transcript NM_020937.4 (MANE Select); coding-DNA position 3760, A replaced by G.
Protein change: p.Arg1254Gly; replaces arginine 1254 with glycine.
Molecular consequence: missense variant.
Genome position (GRCh38, 1-based): chr14:45,176,514, A>G. VCF-style: chr14-45176514-A-G. GRCh37 (hg19) VCF-style: chr14-45645717-A-G.
Other names: c.3682A>G, p.Arg1228Gly (NM_001308133.2); c.3760A>G (NM_020937.3); short protein forms R1228G, R1254G.
Identifiers: ClinVar variation 2143758 (VCV002143758.5), dbSNP rs2503194339, ClinGen allele CA389602913.

ClinVar aggregate classification (germline): Uncertain significance. Review status: criteria provided, multiple submitters, no conflicts (2 of 4 stars). 2 submissions from 2 submitters: Uncertain significance (2). Last evaluated 2024-10-25.

Conditions:
Fanconi anemia (FA). Also called: Fanconi's anemia. Identifiers: Orphanet 84, MedGen C0015625, MeSH D005199, MONDO:0019391.

Allele frequency attached by ClinVar (database versions not stated): gnomAD exomes below 0.00001.
gnomAD v4.1: 1 of 1,604,528 alleles (0.000062%); highest among the groups gnomAD compares: Middle Eastern, 0.017%; no homozygotes.

Submissions (2):

Quest Diagnostics Nichols Institute San Juan Capistrano
Classification: Uncertain significance. Last evaluated: 2024-10-25. Review status: criteria provided, single submitter. Criteria: Quest Diagnostics criteria. Collection method: clinical testing. Allele origin: unknown.
Comment: The FANCM c.3760A>G (p.Arg1254Gly) variant has been reported in the published literature in large scale breast cancer association studies in individuals with breast cancer (PMID: 36707629 (2023), 33471991 (2021), see also LOVD). This variant has not been reported in large, multi-ethnic general populations (Genome Aggregation Database). Analysis of this variant using bioinformatics tools for the prediction of the effect of amino acid changes on protein structure and function yielded predictions that this variant is benign. Based on the available information, we are unable to determine the clinical significance of this variant.

Labcorp Genetics (formerly Invitae), Labcorp
Classification: Uncertain significance for Fanconi anemia. Last evaluated: 2022-02-19. Review status: criteria provided, single submitter. Criteria: Invitae Variant Classification Sherloc (09022015). Collection method: clinical testing. Allele origin: germline.
Comment: This variant is not present in population databases (gnomAD no frequency). In summary, the available evidence is currently insufficient to determine the role of this variant in disease. Therefore, it has been classified as a Variant of Uncertain Significance. Algorithms developed to predict the effect of missense changes on protein structure and function output the following: SIFT: "Tolerated"; PolyPhen-2: "Benign"; Align-GVGD: "Class C0". The glycine amino acid residue is found in multiple mammalian species, which suggests that this missense change does not adversely affect protein function. This variant has not been reported in the literature in individuals affected with FANCM-related conditions. This sequence change replaces arginine, which is basic and polar, with glycine, which is neutral and non-polar, at codon 1254 of the FANCM protein (p.Arg1254Gly).

Literature cited by the submitters: PubMed 36707629 (cited by Quest Diagnostics Nichols Institute San Juan Capistrano).